The following is an entry in ClinVar:

NM_001039591.3(USP9X):c.788A>G (p.Tyr263Cys)

Gene: USP9X (ubiquitin specific peptidase 9 X-linked; plus strand). Cytogenetic location: Xp11.4.
Variant type: single nucleotide variant.
Coding change: c.788A>G on transcript NM_001039591.3 (MANE Select); coding-DNA position 788, A replaced by G.
Protein change: p.Tyr263Cys; replaces tyrosine 263 with cysteine.
Molecular consequence: missense variant.
Genome position (GRCh38, 1-based): chrX:41,140,983, A>G. VCF-style: chrX-41140983-A-G. GRCh37 (hg19) VCF-style: chrX-41000236-A-G.
Other names: c.788A>G, p.Tyr263Cys (NM_001039590.3, NM_001410748.1, NM_001410749.1); short protein forms Y263C.
Identifiers: ClinVar variation 1927323 (VCV001927323.5), dbSNP rs2147047936, ClinGen allele CA412766071.

ClinVar aggregate classification (germline): Uncertain significance (1 of 4 stars; one submission).

Submission:

Labcorp Genetics (formerly Invitae), Labcorp
Classification: Uncertain significance. Last evaluated: 2022-07-05. Review status: criteria provided, single submitter. Criteria: Invitae Variant Classification Sherloc (09022015). Collection method: clinical testing. Allele origin: germline.
Comment: Algorithms developed to predict the effect of missense changes on protein structure and function are either unavailable or do not agree on the potential impact of this missense change (SIFT: "Deleterious"; PolyPhen-2: "Benign"; Align-GVGD: "Class C0"). This variant has not been reported in the literature in individuals affected with USP9X-related conditions. This variant is not present in population databases (gnomAD no frequency). This sequence change replaces tyrosine, which is neutral and polar, with cysteine, which is neutral and slightly polar, at codon 263 of the USP9X protein (p.Tyr263Cys). Algorithms developed to predict the effect of sequence changes on RNA splicing suggest that this variant may create or strengthen a splice site. In summary, the available evidence is currently insufficient to determine the role of this variant in disease. Therefore, it has been classified as a Variant of Uncertain Significance.